The following is an entry in ClinVar:

ClinVar aggregate classification (germline): Uncertain significance. Review status: criteria provided, multiple submitters, no conflicts (2 of 4 stars). 2 submissions from 2 submitters: Uncertain significance (2). Last evaluated 2026-07-01.

Conditions:
Myopathy, tubular aggregate, 2 (TAM2). Identifiers: MedGen C4014557, MONDO:0014383, OMIM 615883.
Combined immunodeficiency due to ORAI1 deficiency. Also called: IMMUNODEFICIENCY 9. Identifiers: Orphanet 169090, Orphanet 317428, MedGen C2748568, MONDO:0013007, OMIM 612782.

Allele frequency attached by ClinVar (database versions not stated): TOPMed 0.00001; gnomAD 0.00002 and 0.00003; gnomAD exomes 0.00003 and 0.00006; ExAC 0.00007; 1000 Genomes Project 30x 0.00016; 1000 Genomes Project 0.00020.

Submissions (2):

CeGaT Center for Human Genetics Tuebingen
Classification: Uncertain significance. Last evaluated: 2026-07-01. Review status: criteria provided, single submitter. Criteria: CeGaT Center For Human Genetics Tuebingen Variant Classification Criteria Version 2. Collection method: clinical testing. Allele origin: germline. Affected: yes. Observed: 1 variant allele.
Comment: ORAI1: PM2

Labcorp Genetics (formerly Invitae), Labcorp
Classification: Uncertain significance for Myopathy, tubular aggregate, 2; Combined immunodeficiency due to ORAI1 deficiency. Last evaluated: 2026-01-05. Review status: criteria provided, single submitter. Criteria: Invitae Variant Classification Sherloc (09022015). Collection method: clinical testing. Allele origin: germline.
Comment: This sequence change replaces glutamic acid, which is acidic and polar, with lysine, which is basic and polar, at codon 173 of the ORAI1 protein (p.Glu173Lys). This variant is present in population databases (rs533220170, gnomAD 0.04%). This variant has not been reported in the literature in individuals affected with ORAI1-related conditions. ClinVar contains an entry for this variant (Variation ID: 1418108). Algorithms developed to predict the effect of variants on gene product structure and function are not available or were not evaluated for this variant. Experimental studies have shown that this missense change does not substantially affect ORAI1 function (PMID: 33361160). In summary, the available evidence is currently insufficient to determine the role of this variant in disease. Therefore, it has been classified as a Variant of Uncertain Significance.

Literature cited by the submitters: PubMed 33361160 (cited by Labcorp Genetics (formerly Invitae), Labcorp).

NC_000012.12:g.121641254G>A

Gene: ORAI1 (ORAI calcium release-activated calcium modulator 1; plus strand). Cytogenetic location: 12q24.31.
Variant type: single nucleotide variant.
Genome position: GRCh38 VCF-style: chr12-121641254-G-A. GRCh37 (hg19) VCF-style: chr12-122079160-G-A.
Other names: c.517G>A, p.Glu173Lys (NM_032790.4); short protein forms E173K.
Identifiers: ClinVar variation 1418108 (VCV001418108.9), dbSNP rs533220170, ClinGen allele CA6837506.